The following is an entry in ClinVar:

NM_138773.4(SLC25A46):c.224G>T (p.Gly75Val)

Gene: SLC25A46 (solute carrier family 25 member 46; plus strand). Cytogenetic location: 5q22.1.
Variant type: single nucleotide variant.
Coding change: c.224G>T on transcript NM_138773.4 (MANE Select); coding-DNA position 224, G replaced by T.
Protein change: p.Gly75Val; replaces glycine 75 with valine.
Molecular consequence: missense variant. On other transcripts: non-coding transcript variant (1), intron variant (1).
Genome position (GRCh38, 1-based): chr5:110,739,343, G>T. VCF-style: chr5-110739343-G-T. GRCh37 (hg19) VCF-style: chr5-110075044-G-T.
Other names: p.Gly75Val; c.224G>T, p.Gly75Val (NM_001303249.3); c.10+1096G>T (NM_001303250.3); short protein forms G75V.
Identifiers: ClinVar variation 3379594 (VCV003379594.1).

ClinVar aggregate classification (germline): Uncertain significance (1 of 4 stars; one submission).

gnomAD v4.1: 3 of 1,563,402 alleles (0.00019%); highest among the groups gnomAD compares: Middle Eastern, 0.017%; no homozygotes.

Submission:

Mayo Clinic Laboratories, Mayo Clinic
Classification: Uncertain significance. Last evaluated: 2024-08-09. Review status: criteria provided, single submitter. Criteria: ACMG Guidelines, 2015. Collection method: clinical testing. Allele origin: germline. Observed: 1 variant allele.
Comment: BP4, PM2